The following is an entry in ClinVar:

ClinVar aggregate classification (germline): Uncertain significance. Review status: criteria provided, multiple submitters, no conflicts (2 of 4 stars). 2 submissions from 2 submitters: Uncertain significance (2). Last evaluated 2025-08-09.

Conditions:
Hereditary cancer-predisposing syndrome. Also called: Neoplastic Syndromes, Hereditary; Tumor predisposition; Hereditary neoplastic syndrome; Hereditary Cancer Syndrome. Identifiers: Orphanet 140162, MedGen C0027672, MeSH D009386, MONDO:0015356.
Renal cell carcinoma. Identifiers: Orphanet 217071, MedGen C0007134, MeSH D002292, MONDO:0005086, HP:0005584.

Submissions (2):

Labcorp Genetics (formerly Invitae), Labcorp
Classification: Uncertain significance for Renal cell carcinoma. Last evaluated: 2025-08-09. Review status: criteria provided, single submitter. Criteria: Invitae Variant Classification Sherloc (09022015). Collection method: clinical testing. Allele origin: germline.
Comment: This sequence change replaces threonine, which is neutral and polar, with serine, which is neutral and polar, at codon 17 of the MET protein (p.Thr17Ser). This variant is not present in population databases (gnomAD no frequency). This variant has not been reported in the literature in individuals affected with MET-related conditions. ClinVar contains an entry for this variant (Variation ID: 825439). Invitae Evidence Modeling of protein sequence and biophysical properties (such as structural, functional, and spatial information, amino acid conservation, physicochemical variation, residue mobility, and thermodynamic stability) indicates that this missense variant is not expected to disrupt MET protein function with a negative predictive value of 80%. In summary, the available evidence is currently insufficient to determine the role of this variant in disease. Therefore, it has been classified as a Variant of Uncertain Significance.

Ambry Genetics
Classification: Uncertain significance for Hereditary cancer-predisposing syndrome. Last evaluated: 2025-03-26. Review status: criteria provided, single submitter. Criteria: Ambry Variant Classification Scheme 2023. Collection method: clinical testing. Allele origin: germline.
Comment: The p.T17S variant (also known as c.50C>G), located in coding exon 1 of the MET gene, results from a C to G substitution at nucleotide position 50. The threonine at codon 17 is replaced by serine, an amino acid with similar properties. This nucleotide position is highly conserved in available vertebrate species. This amino acid position is not well conserved in available vertebrate species. In addition, this alteration is predicted to be tolerated by in silico analysis. Based on the available evidence, the clinical significance of this variant remains unclear.

NM_000245.4(MET):c.50C>G (p.Thr17Ser)

Gene: MET (MET proto-oncogene, receptor tyrosine kinase; plus strand). Cytogenetic location: 7q31.2.
Variant type: single nucleotide variant.
Coding change: c.50C>G on transcript NM_000245.4 (MANE Select); coding-DNA position 50, C replaced by G.
Protein change: p.Thr17Ser; replaces threonine 17 with serine.
Molecular consequence: missense variant. On other transcripts: intron variant (1).
Genome position (GRCh38, 1-based): chr7:116,699,134, C>G. VCF-style: chr7-116699134-C-G. GRCh37 (hg19) VCF-style: chr7-116339188-C-G.
Other names: c.50C>G, p.Thr17Ser (NM_001127500.3, NM_001324401.3); c.-91+26557C>G (NM_001324402.2); short protein forms T17S.
Identifiers: ClinVar variation 825439 (VCV000825439.15), dbSNP rs747777018, ClinGen allele CA164887693.
Genomic context (GRCh38, chr7:116,699,134, plus strand): 5'-AACCTCTCATAATGAAGGCCCCCGCTGTGCTTGCACCTGGCATCCTCGTGCTCCTGTTTA[C>G]CTTGGTGCAGAGGAGCAATGGGGAGTGTAAAGAGGCACTAGCAAAGTCCGAGATGAATGT-3'
Protein context (NP_000236.2, residues 7-27): LAPGILVLLF[Thr17Ser]LVQRSNGECK